The following is an entry in ClinVar:

ClinVar aggregate classification (germline): Uncertain significance. Review status: criteria provided, multiple submitters, no conflicts (2 of 4 stars). 2 submissions from 2 submitters: Uncertain significance (2). Last evaluated 2025-01-27.

Conditions:
Inborn genetic diseases. Identifiers: MedGen C0950123, MeSH D030342.

Allele frequency attached by ClinVar (database versions not stated): gnomAD 0.00006 and 0.00007; ESP Exome Variant Server 0.00008; gnomAD exomes 0.00010 and 0.00022; 1000 Genomes Project 30x 0.00016; ExAC 0.00017; 1000 Genomes Project 0.00020.

Submissions (2):

Labcorp Genetics (formerly Invitae), Labcorp
Classification: Uncertain significance. Last evaluated: 2025-01-27. Review status: criteria provided, single submitter. Criteria: Invitae Variant Classification Sherloc (09022015). Collection method: clinical testing. Allele origin: germline.
Comment: This sequence change replaces alanine, which is neutral and non-polar, with valine, which is neutral and non-polar, at codon 1343 of the OBSL1 protein (p.Ala1343Val). The frequency data for this variant in the population databases is considered unreliable, as metrics indicate poor data quality at this position in the gnomAD database. This variant has not been reported in the literature in individuals affected with OBSL1-related conditions. ClinVar contains an entry for this variant (Variation ID: 1358370). An algorithm developed to predict the effect of missense changes on protein structure and function outputs the following: PolyPhen-2: "Benign". The valine amino acid residue is found in multiple mammalian species, which suggests that this missense change does not adversely affect protein function. In summary, the available evidence is currently insufficient to determine the role of this variant in disease. Therefore, it has been classified as a Variant of Uncertain Significance.

Ambry Genetics
Classification: Uncertain significance for Inborn genetic diseases. Last evaluated: 2024-07-16. Review status: criteria provided, single submitter. Criteria: Ambry Variant Classification Scheme 2023. Collection method: clinical testing. Allele origin: germline.

NM_015311.3(OBSL1):c.4028C>T (p.Ala1343Val)

Gene: OBSL1 (obscurin like cytoskeletal adaptor 1; minus strand). Cytogenetic location: 2q35.
Variant type: single nucleotide variant.
Coding change: c.4028C>T on transcript NM_015311.3 (MANE Select); coding-DNA position 4028, C replaced by T.
Protein change: p.Ala1343Val; replaces alanine 1343 with valine.
Molecular consequence: missense variant.
Genome position (GRCh38, 1-based): chr2:219,557,381, G>A on the plus strand (C>T on the coding strand, the complement: OBSL1 is on the minus strand). VCF-style: chr2-219557381-G-A. GRCh37 (hg19) VCF-style: chr2-220422103-G-A.
Other names: c.4028C>T, p.Ala1343Val (NM_001173431.2); c.4028C>T (NM_015311.2); short protein forms A1343V.
Identifiers: ClinVar variation 1358370 (VCV001358370.8), dbSNP rs367902110, ClinGen allele CA2130691.